The following is an entry in ClinVar:

NM_000501.4(ELN):c.1274G>A (p.Gly425Asp)

Gene: ELN (elastin; plus strand). Cytogenetic location: 7q11.23.
Variant type: single nucleotide variant.
Coding change: c.1274G>A on transcript NM_000501.4 (MANE Select); coding-DNA position 1274, G replaced by A.
Protein change: p.Gly425Asp; replaces glycine 425 with aspartic acid.
Molecular consequence: missense variant. On other transcripts: intron variant (2).
Genome position (GRCh38, 1-based): chr7:74,056,394, G>A. VCF-style: chr7-74056394-G-A. GRCh37 (hg19) VCF-style: chr7-73470724-G-A.
Other names: c.1244G>A, p.Gly415Asp (NM_001081752.3, NM_001278917.2); c.1289G>A, p.Gly430Asp (NM_001081753.3, NM_001081754.3); c.1274G>A, p.Gly425Asp (NM_001081755.3, NM_001278912.2, NM_001278915.2 and 1 more transcripts); c.1259G>A, p.Gly420Asp (NM_001278914.2); c.1232G>A, p.Gly411Asp (NM_001278916.2); c.1129+37G>A (NM_001278913.2); c.1105+37G>A (NM_001278918.2); short protein forms G411D, G415D, G420D, G425D, G430D.
Identifiers: ClinVar variation 1022594 (VCV001022594.9), dbSNP rs1795231067, ClinGen allele CA367881814.

ClinVar aggregate classification (germline): Uncertain significance. Review status: criteria provided, multiple submitters, no conflicts (2 of 4 stars). 2 submissions from 2 submitters: Uncertain significance (2). Last evaluated 2020-08-20.

Conditions:
Supravalvar aortic stenosis (SVAS). Also called: Supravalvar aortic stenosis, Eisenberg type. Identifiers: Orphanet 3193, MedGen C0003499, MONDO:0008504, OMIM 185500, HP:0004381.

Submissions (2):

Labcorp Genetics (formerly Invitae), Labcorp
Classification: Uncertain significance for Supravalvar aortic stenosis. Last evaluated: 2020-08-20. Review status: criteria provided, single submitter. Criteria: Invitae Variant Classification Sherloc (09022015). Collection method: clinical testing. Allele origin: germline.
Comment: In summary, the available evidence is currently insufficient to determine the role of this variant in disease. Therefore, it has been classified as a Variant of Uncertain Significance. Algorithms developed to predict the effect of missense changes on protein structure and function are either unavailable or do not agree on the potential impact of this missense change (SIFT: "Deleterious"; PolyPhen-2: "Not Available"; Align-GVGD: "Class C0"). This variant has not been reported in the literature in individuals with ELN-related conditions. This variant is not present in population databases (ExAC no frequency). This sequence change replaces glycine with aspartic acid at codon 425 of the ELN protein (p.Gly425Asp). The glycine residue is moderately conserved and there is a moderate physicochemical difference between glycine and aspartic acid.

Blueprint Genetics
Classification: Uncertain significance. Last evaluated: 2017-10-10. Review status: criteria provided, single submitter. Criteria: ACMG Guidelines, 2015. Collection method: clinical testing. Allele origin: germline.